The following is an entry in ClinVar:

ClinVar aggregate classification (germline): Likely benign (1 of 4 stars; one submission).

Allele frequency attached by ClinVar (database versions not stated): TOPMed 0.00010; 1000 Genomes Project 30x 0.00031; 1000 Genomes Project 0.00040; ExAC 0.00002; gnomAD 0.00011.
gnomAD v4.1: 29 of 1,327,306 alleles (0.0022%); highest among the groups gnomAD compares: African/African-American, 0.039%; no homozygotes.

Submission:

CeGaT Center for Human Genetics Tuebingen
Classification: Likely benign. Last evaluated: 2022-04-01. Review status: criteria provided, single submitter. Criteria: CeGaT Center For Human Genetics Tuebingen Variant Classification Criteria Version 2. Collection method: clinical testing. Allele origin: germline. Affected: yes. Observed: 1 variant allele.
Comment: ABCA2: BP4, BP7

NM_212533.3(ABCA2):c.6G>A (p.Gly2=)

Genes: ABCA2 (ATP binding cassette subfamily A member 2; minus strand), LINC02908 (long independently transcribed non-coding RNA 2908; plus strand). Cytogenetic location: 9q34.3.
Variant type: single nucleotide variant.
Coding change: c.6G>A on transcript NM_212533.3; coding-DNA position 6, G replaced by A.
Protein change: p.Gly2=; no amino-acid change (glycine 2 retained).
Molecular consequence: synonymous variant.
Genome position (GRCh38, 1-based): chr9:137,028,867, C>T on the plus strand (G>A on the coding strand, the complement: ABCA2 is on the minus strand). VCF-style: chr9-137028867-C-T. GRCh37 (hg19) VCF-style: chr9-139923319-C-T.
Identifiers: ClinVar variation 2659794 (VCV002659794.22), dbSNP rs547612173, ClinGen allele CA5356073.